The following is an entry in ClinVar:

ClinVar aggregate classification (germline): Uncertain significance (1 of 4 stars; one submission).

Conditions:
Norman-Roberts syndrome (LIS2). Also called: Lissencephaly 2 (Norman-Roberts type). Identifiers: Orphanet 89844, MedGen C0796089, MONDO:0009760, OMIM 257320.
Familial temporal lobe epilepsy 7. Identifiers: Orphanet 101046, MedGen C4225327, MONDO:0014639, OMIM 616436.

Allele frequency attached by ClinVar (database versions not stated): TOPMed below 0.00001.
gnomAD v4.1: 8 of 1,614,082 alleles (0.0005%); highest among the groups gnomAD compares: Non-Finnish European, 0.00068%; no homozygotes.

Submission:

Labcorp Genetics (formerly Invitae), Labcorp
Classification: Uncertain significance for Familial temporal lobe epilepsy 7; Norman-Roberts syndrome. Last evaluated: 2024-07-17. Review status: criteria provided, single submitter. Criteria: Invitae Variant Classification Sherloc (09022015). Collection method: clinical testing. Allele origin: germline.
Comment: This sequence change replaces histidine, which is basic and polar, with asparagine, which is neutral and polar, at codon 1710 of the RELN protein (p.His1710Asn). This variant is not present in population databases (gnomAD no frequency). This variant has not been reported in the literature in individuals affected with RELN-related conditions. ClinVar contains an entry for this variant (Variation ID: 1040479). Advanced modeling of protein sequence and biophysical properties (such as structural, functional, and spatial information, amino acid conservation, physicochemical variation, residue mobility, and thermodynamic stability) performed at Invitae indicates that this missense variant is not expected to disrupt RELN protein function with a negative predictive value of 80%. In summary, the available evidence is currently insufficient to determine the role of this variant in disease. Therefore, it has been classified as a Variant of Uncertain Significance.

NM_005045.4(RELN):c.5128C>A (p.His1710Asn)

Gene: RELN (reelin; minus strand). Cytogenetic location: 7q22.1.
Variant type: single nucleotide variant.
Coding change: c.5128C>A on transcript NM_005045.4 (MANE Select); coding-DNA position 5128, C replaced by A.
Protein change: p.His1710Asn; replaces histidine 1710 with asparagine.
Molecular consequence: missense variant.
Genome position (GRCh38, 1-based): chr7:103,565,360, G>T on the plus strand (C>A on the coding strand, the complement: RELN is on the minus strand). VCF-style: chr7-103565360-G-T. GRCh37 (hg19) VCF-style: chr7-103205807-G-T.
Other names: c.5128C>A, p.His1710Asn (NM_173054.3); short protein forms H1710N.
Identifiers: ClinVar variation 1040479 (VCV001040479.8), dbSNP rs1830725754, ClinGen allele CA368745948.